The following is an entry in ClinVar:

ClinVar aggregate classification (germline): Uncertain significance (1 of 4 stars; one submission).

Submission:

GeneDx
Classification: Uncertain significance. Last evaluated: 2026-03-14. Review status: criteria provided, single submitter. Criteria: GeneDx Variant Classification Process June 2021. Collection method: clinical testing. Allele origin: germline.
Comment: Not observed at significant frequency in large population cohorts (gnomAD); In silico analysis supports that this missense variant has a deleterious effect on protein structure/function; Has not been previously published as pathogenic or benign to our knowledge.

NM_001283009.2(RTEL1):c.3537C>A (p.Ser1179Arg)

Genes: RTEL1 (regulator of telomere elongation helicase 1; plus strand), RTEL1-TNFRSF6B (RTEL1-TNFRSF6B readthrough (NMD candidate); plus strand). Cytogenetic location: 20q13.33.
Variant type: single nucleotide variant.
Coding change: c.3537C>A on transcript NM_001283009.2 (MANE Select); coding-DNA position 3537, C replaced by A.
Protein change: p.Ser1179Arg; replaces serine 1179 with arginine.
Molecular consequence: missense variant. On other transcripts: non-coding transcript variant (1).
Genome position (GRCh38, 1-based): chr20:63,695,365, C>A. VCF-style: chr20-63695365-C-A. GRCh37 (hg19) VCF-style: chr20-62326718-C-A.
Other names: c.2868C>A, p.Ser956Arg (NM_001283010.1); c.3537C>A, p.Ser1179Arg (NM_016434.4); c.3609C>A, p.Ser1203Arg (NM_032957.5); short protein forms S1203R, S956R, S1179R.
Identifiers: ClinVar variation 5009168 (VCV005009168.1).